The following is an entry in ClinVar:

NM_018646.6(TRPV6):c.1539G>T (p.Gln513His)

Gene: TRPV6 (transient receptor potential cation channel subfamily V member 6; minus strand). Cytogenetic location: 7q34.
Variant type: single nucleotide variant.
Coding change: c.1539G>T on transcript NM_018646.6 (MANE Select); coding-DNA position 1539, G replaced by T.
Protein change: p.Gln513His; replaces glutamine 513 with histidine.
Molecular consequence: missense variant.
Genome position (GRCh38, 1-based): chr7:142,874,524, C>A on the plus strand (G>T on the coding strand, the complement: TRPV6 is on the minus strand). VCF-style: chr7-142874524-C-A. GRCh37 (hg19) VCF-style: chr7-142572277-C-A.
Other names: short protein forms Q513H.
Identifiers: ClinVar variation 4691314 (VCV004691314.1).

ClinVar aggregate classification (germline): Uncertain significance (1 of 4 stars; one submission).

gnomAD v4.1: 10 of 1,613,936 alleles (0.00062%); highest among the groups gnomAD compares: Non-Finnish European, 0.00085%; no homozygotes.

Submission:

Labcorp Genetics (formerly Invitae), Labcorp
Classification: Uncertain significance. Last evaluated: 2025-03-24. Review status: criteria provided, single submitter. Criteria: Invitae Variant Classification Sherloc (09022015). Collection method: clinical testing. Allele origin: germline.
Comment: This sequence change replaces glutamine, which is neutral and polar, with histidine, which is basic and polar, at codon 513 of the TRPV6 protein (p.Gln513His). This variant is present in population databases (rs779703718, gnomAD 0.005%). This variant has not been reported in the literature in individuals affected with TRPV6-related conditions. Experimental studies and prediction algorithms are not available or were not evaluated, and the functional significance of this variant is currently unknown. In summary, the available evidence is currently insufficient to determine the role of this variant in disease. Therefore, it has been classified as a Variant of Uncertain Significance.